The following is an entry in ClinVar:

NM_001122630.2(CDKN1C):c.472G>A (p.Val158Ile)

Gene: CDKN1C (cyclin dependent kinase inhibitor 1C; minus strand). Cytogenetic location: 11p15.4.
Variant type: single nucleotide variant.
Coding change: c.472G>A on transcript NM_001122630.2 (MANE Select); coding-DNA position 472, G replaced by A.
Protein change: p.Val158Ile; replaces valine 158 with isoleucine.
Molecular consequence: missense variant. On other transcripts: intron variant (1).
Genome position (GRCh38, 1-based): chr11:2,884,985, C>T on the plus strand (G>A on the coding strand, the complement: CDKN1C is on the minus strand). VCF-style: chr11-2884985-C-T. GRCh37 (hg19) VCF-style: chr11-2906215-C-T.
Other names: c.505G>A, p.Val169Ile (NM_000076.2, NM_001362474.2); c.472G>A, p.Val158Ile (NM_001122631.2); c.255+217G>A (NM_001362475.2); short protein forms V158I, V169I.
Identifiers: ClinVar variation 1037215 (VCV001037215.34), dbSNP rs1848947864, ClinGen allele CA379146571.

ClinVar aggregate classification (germline): Uncertain significance. Review status: criteria provided, multiple submitters, no conflicts (2 of 4 stars). 4 submissions from 4 submitters: Uncertain significance (4). Last evaluated 2025-02-06.

Conditions:
Beckwith-Wiedemann syndrome (BWS). Also called: EMG SYNDROME; Exomphalos macroglossia gigantism syndrome. Identifiers: Orphanet 116, MedGen C0004903, MONDO:0007534, OMIM 130650.
Inborn genetic diseases. Identifiers: MedGen C0950123, MeSH D030342.
IMAGe syndrome. Also called: Intrauterine growth retardation, metaphyseal dysplasia, adrenal hypoplasia congenita, and genital anomalies; Intrauterine Growth Restriction, Metaphyseal Dysplasia, Adrenal Hypoplasia Congenita, and Genital Anomalies. Identifiers: Orphanet 85173, MedGen C1846009, MONDO:0013873, OMIM 614732.

Submissions (4):

Clinical Genomics Laboratory, Washington University in St. Louis
Classification: Uncertain significance for IMAGe syndrome; Beckwith-Wiedemann syndrome. Last evaluated: 2025-02-06. Review status: criteria provided, single submitter. Criteria: ACMG Guidelines, 2015. Collection method: clinical testing. Allele origin: germline.
Comment: A CDKN1C c. 472G>A (p.Val158Ile) variant was identified at a near heterozygous allelic fraction of 46.5%, a frequency which may be consistent with it being of germline origin. This variant has been reported in the ClinVar database as a germline variant of uncertain significance by three submitters (Variation ID: 1037215). This variant is only observed on 1 out of 1,104,284 alleles in the general population (gnomAD v.4.1.0), indicating it is not a common variant. Computational predictors suggest that the variant does not impact CDKN1C function. Based on an internally developed protocol informed by the ACMG/AMP guidelines (Richards S et al., PMID: 25741868), the clinical significance of the CDKN1C c.472G>A (p.Val158Ile) variant is uncertain at this time.

Labcorp Genetics (formerly Invitae), Labcorp
Classification: Uncertain significance for Beckwith-Wiedemann syndrome. Last evaluated: 2023-09-08. Review status: criteria provided, single submitter. Criteria: Invitae Variant Classification Sherloc (09022015). Collection method: clinical testing. Allele origin: germline.
Comment: This variant has not been reported in the literature in individuals affected with CDKN1C-related conditions. The frequency data for this variant in the population databases is considered unreliable, as metrics indicate insufficient coverage at this position in the gnomAD database. This sequence change replaces valine, which is neutral and non-polar, with isoleucine, which is neutral and non-polar, at codon 169 of the CDKN1C protein (p.Val169Ile). ClinVar contains an entry for this variant (Variation ID: 1037215). In summary, the available evidence is currently insufficient to determine the role of this variant in disease. Therefore, it has been classified as a Variant of Uncertain Significance. Advanced modeling of protein sequence and biophysical properties (such as structural, functional, and spatial information, amino acid conservation, physicochemical variation, residue mobility, and thermodynamic stability) performed at Invitae indicates that this missense variant is not expected to disrupt CDKN1C protein function.

CeGaT Center for Human Genetics Tuebingen
Classification: Uncertain significance. Last evaluated: 2023-08-01. Review status: criteria provided, single submitter. Criteria: CeGaT Center For Human Genetics Tuebingen Variant Classification Criteria Version 2. Collection method: clinical testing. Allele origin: germline. Affected: yes. Observed: 1 variant allele.
Comment: CDKN1C: PM2, PP2, BP4

Ambry Genetics
Classification: Uncertain significance for Inborn genetic diseases. Last evaluated: 2022-06-28. Review status: criteria provided, single submitter. Criteria: Ambry Variant Classification Scheme 2023. Collection method: clinical testing. Allele origin: germline.